The following is an entry in ClinVar:

ClinVar aggregate classification (germline): Uncertain significance (1 of 4 stars; one submission).

Conditions:
Beckwith-Wiedemann syndrome (BWS). Also called: Exomphalos macroglossia gigantism syndrome; EMG SYNDROME. Identifiers: Orphanet 116, MedGen C0004903, MONDO:0007534, OMIM 130650.

Submission:

Labcorp Genetics (formerly Invitae), Labcorp
Classification: Uncertain significance for Beckwith-Wiedemann syndrome. Last evaluated: 2025-06-11. Review status: criteria provided, single submitter. Criteria: Invitae Variant Classification Sherloc (09022015). Collection method: clinical testing. Allele origin: germline.
Comment: This sequence change replaces lysine, which is basic and polar, with asparagine, which is neutral and polar, at codon 278 of the CDKN1C protein (p.Lys278Asn). This variant is not present in population databases (gnomAD no frequency). This variant has not been reported in the literature in individuals affected with CDKN1C-related conditions. Invitae Evidence Modeling of protein sequence and biophysical properties (such as structural, functional, and spatial information, amino acid conservation, physicochemical variation, residue mobility, and thermodynamic stability) indicates that this missense variant is not expected to disrupt CDKN1C protein function with a negative predictive value of 80%. In summary, the available evidence is currently insufficient to determine the role of this variant in disease. Therefore, it has been classified as a Variant of Uncertain Significance.

NM_001122630.2(CDKN1C):c.801G>C (p.Lys267Asn)

Gene: CDKN1C (cyclin dependent kinase inhibitor 1C; minus strand). Cytogenetic location: 11p15.4.
Variant type: single nucleotide variant.
Coding change: c.801G>C on transcript NM_001122630.2 (MANE Select); coding-DNA position 801, G replaced by C.
Protein change: p.Lys267Asn; replaces lysine 267 with asparagine.
Molecular consequence: missense variant.
Genome position (GRCh38, 1-based): chr11:2,884,121, C>G on the plus strand (G>C on the coding strand, the complement: CDKN1C is on the minus strand). VCF-style: chr11-2884121-C-G. GRCh37 (hg19) VCF-style: chr11-2905351-C-G.
Other names: c.834G>C, p.Lys278Asn (NM_000076.2, NM_001362474.2); c.801G>C, p.Lys267Asn (NM_001122631.2); c.269G>C, p.Ser90Thr (NM_001362475.2); short protein forms K278N, S90T, K267N.
Identifiers: ClinVar variation 4742998 (VCV004742998.1).